The following is an entry in ClinVar:

ClinVar aggregate classification (germline): Uncertain significance (1 of 4 stars; one submission).

Conditions:
Charcot-Marie-Tooth disease dominant intermediate B (CMTDIB). Also called: CHARCOT-MARIE-TOOTH NEUROPATHY, DOMINANT INTERMEDIATE B; Charcot-Marie-Tooth disease dominant intermediate 1; CMT DI1; Charcot-Marie-Tooth disease dominant intermediate I. Identifiers: Orphanet 100044, Orphanet 228179, MedGen C1847902, MONDO:0011674, OMIM 606482.

Allele frequency attached by ClinVar (database versions not stated): gnomAD exomes below 0.00001.
gnomAD v4.1: 2 of 1,522,622 alleles (0.00013%); highest among the groups gnomAD compares: Non-Finnish European, 0.00018%; no homozygotes.

Submission:

Labcorp Genetics (formerly Invitae), Labcorp
Classification: Uncertain significance for Charcot-Marie-Tooth disease dominant intermediate B. Last evaluated: 2022-08-23. Review status: criteria provided, single submitter. Criteria: Invitae Variant Classification Sherloc (09022015). Collection method: clinical testing. Allele origin: germline.
Comment: This sequence change replaces proline, which is neutral and non-polar, with leucine, which is neutral and non-polar, at codon 32 of the DNM2 protein (p.Pro32Leu). Algorithms developed to predict the effect of missense changes on protein structure and function are either unavailable or do not agree on the potential impact of this missense change (SIFT: "Deleterious"; PolyPhen-2: "Probably Damaging"; Align-GVGD: "Class C0"). In summary, the available evidence is currently insufficient to determine the role of this variant in disease. Therefore, it has been classified as a Variant of Uncertain Significance. This variant is not present in population databases (gnomAD no frequency). This variant has not been reported in the literature in individuals affected with DNM2-related conditions. ClinVar contains an entry for this variant (Variation ID: 1363378).

NM_001005361.3(DNM2):c.95C>T (p.Pro32Leu)

Genes: DNM2 (dynamin 2; plus strand), LOC130063529 (ATAC-STARR-seq lymphoblastoid silent region 10090; plus strand). Cytogenetic location: 19p13.2.
Variant type: single nucleotide variant.
Coding change: c.95C>T on transcript NM_001005361.3 (MANE Select); coding-DNA position 95, C replaced by T.
Protein change: p.Pro32Leu; replaces proline 32 with leucine.
Molecular consequence: missense variant.
Genome position (GRCh38, 1-based): chr19:10,718,337, C>T. VCF-style: chr19-10718337-C-T. GRCh37 (hg19) VCF-style: chr19-10829013-C-T.
Other names: c.95C>T, p.Pro32Leu (NM_001005360.3, NM_001005362.3, NM_001190716.2 and 1 more transcripts); short protein forms P32L.
Identifiers: ClinVar variation 1363378 (VCV001363378.8), dbSNP rs2145637847, ClinGen allele CA404046654.
Genomic context (GRCh38, chr19:10,718,337, plus strand): 5'-TGGTCAACAAACTGCAGGACGCCTTCAGCTCCATCGGCCAGAGCTGCCACCTGGACCTGC[C>T]GCAGATCGCTGTAGTGGGCGGCCAGAGCGCCGGCAAGAGCTCGGTGCTGGAGAACTTCGT-3'
Protein context (NP_001005361.1, residues 22-42): SIGQSCHLDL[Pro32Leu]QIAVVGGQSA